The following is an entry in ClinVar:

NM_000722.4(CACNA2D1):c.437A>T (p.Lys146Ile)

Gene: CACNA2D1 (calcium voltage-gated channel auxiliary subunit alpha2delta 1; minus strand). Cytogenetic location: 7q21.11.
Variant type: single nucleotide variant.
Coding change: c.437A>T on transcript NM_000722.4 (MANE Select); coding-DNA position 437, A replaced by T.
Protein change: p.Lys146Ile; replaces lysine 146 with isoleucine.
Molecular consequence: missense variant.
Genome position (GRCh38, 1-based): chr7:82,117,133, T>A on the plus strand (A>T on the coding strand, the complement: CACNA2D1 is on the minus strand). VCF-style: chr7-82117133-T-A. GRCh37 (hg19) VCF-style: chr7-81746449-T-A.
Other names: c.437A>T, p.Lys146Ile (NM_001302890.2, NM_001366867.1); short protein forms K146I.
Identifiers: ClinVar variation 3262808 (VCV003262808.3).

ClinVar aggregate classification (germline): Uncertain significance. Review status: criteria provided, multiple submitters, no conflicts (2 of 4 stars). 2 submissions from 2 submitters: Uncertain significance (2). Last evaluated 2024-12-24.

Conditions:
Brugada syndrome. Also called: Sudden unexplained nocturnal death syndrome; Sudden Unexplained Death Syndrome; Sudden Unexplained Nocturnal Death Syndrome (SUNDS); Sudden unexpected nocturnal death syndrome. Identifiers: Orphanet 130, MedGen C1142166, MONDO:0015263.
Cardiovascular phenotype. Identifiers: MedGen CN230736.

gnomAD v4.1: 26 of 1,613,890 alleles (0.0016%); highest among the groups gnomAD compares: Non-Finnish European, 0.0022%; no homozygotes.

Submissions (2):

Labcorp Genetics (formerly Invitae), Labcorp
Classification: Uncertain significance for Brugada syndrome. Last evaluated: 2024-12-24. Review status: criteria provided, single submitter. Criteria: Invitae Variant Classification Sherloc (09022015). Collection method: clinical testing. Allele origin: germline.
Comment: This sequence change replaces lysine, which is basic and polar, with isoleucine, which is neutral and non-polar, at codon 146 of the CACNA2D1 protein (p.Lys146Ile). This variant is present in population databases (rs753470759, gnomAD 0.0009%). This variant has not been reported in the literature in individuals affected with CACNA2D1-related conditions. An algorithm developed to predict the effect of missense changes on protein structure and function (PolyPhen-2) suggests that this variant is likely to be tolerated. In summary, the available evidence is currently insufficient to determine the role of this variant in disease. Therefore, it has been classified as a Variant of Uncertain Significance.

Ambry Genetics
Classification: Uncertain significance for Cardiovascular phenotype. Last evaluated: 2024-06-18. Review status: criteria provided, single submitter. Criteria: Ambry Variant Classification Scheme 2023. Collection method: clinical testing. Allele origin: germline.
Comment: The p.K146I variant (also known as c.437A>T), located in coding exon 6 of the CACNA2D1 gene, results from an A to T substitution at nucleotide position 437. The lysine at codon 146 is replaced by isoleucine, an amino acid with dissimilar properties. This amino acid position is conserved. In addition, this alteration is predicted to be tolerated by in silico analysis. Based on the available evidence, the clinical significance of this variant remains unclear.